The following is an entry in ClinVar:

NM_001166114.2(PNPLA6):c.3394C>G (p.Pro1132Ala)

Gene: PNPLA6 (patatin like domain 6, lysophospholipase; plus strand). Cytogenetic location: 19p13.2.
Variant type: single nucleotide variant.
Coding change: c.3394C>G on transcript NM_001166114.2 (MANE Select); coding-DNA position 3394, C replaced by G.
Protein change: p.Pro1132Ala; replaces proline 1132 with alanine.
Molecular consequence: missense variant.
Genome position (GRCh38, 1-based): chr19:7,557,281, C>G. VCF-style: chr19-7557281-C-G. GRCh37 (hg19) VCF-style: chr19-7622167-C-G.
Other names: c.3424C>G, p.Pro1142Ala (NM_001166111.2); c.3199C>G, p.Pro1067Ala (NM_001166112.2); c.3280C>G, p.Pro1094Ala (NM_001166113.1, NM_006702.5); short protein forms P1094A, P1067A, P1132A, P1142A.
Identifiers: ClinVar variation 2004505 (VCV002004505.2), dbSNP rs2060903861, ClinGen allele CA403134054.

ClinVar aggregate classification (germline): Uncertain significance (1 of 4 stars; one submission).

Conditions:
Hereditary spastic paraplegia 39 (SPG39). Also called: Spastic Paraplegia Type 39 (SPG39); SPASTIC PARAPLEGIA 39, AUTOSOMAL RECESSIVE. Identifiers: Orphanet 139480, MedGen C2677586, MONDO:0012787, OMIM 612020.

Submission:

Labcorp Genetics (formerly Invitae), Labcorp
Classification: Uncertain significance for Hereditary spastic paraplegia 39. Last evaluated: 2023-12-09. Review status: criteria provided, single submitter. Criteria: Invitae Variant Classification Sherloc (09022015). Collection method: clinical testing. Allele origin: germline.
Comment: This sequence change replaces proline, which is neutral and non-polar, with alanine, which is neutral and non-polar, at codon 1094 of the PNPLA6 protein (p.Pro1094Ala). This variant is not present in population databases (gnomAD no frequency). This variant has not been reported in the literature in individuals affected with PNPLA6-related conditions. ClinVar contains an entry for this variant (Variation ID: 2004505). Advanced modeling of protein sequence and biophysical properties (such as structural, functional, and spatial information, amino acid conservation, physicochemical variation, residue mobility, and thermodynamic stability) performed at Invitae indicates that this missense variant is expected to disrupt PNPLA6 protein function with a positive predictive value of 95%. In summary, the available evidence is currently insufficient to determine the role of this variant in disease. Therefore, it has been classified as a Variant of Uncertain Significance.